The following is an entry in ClinVar:

NM_004612.4(TGFBR1):c.1254T>C (p.Gly418=)

Gene: TGFBR1 (transforming growth factor beta receptor 1; plus strand). Cytogenetic location: 9q22.33.
Variant type: single nucleotide variant.
Coding change: c.1254T>C on transcript NM_004612.4 (MANE Select); coding-DNA position 1254, T replaced by C.
Protein change: p.Gly418=; no amino-acid change (glycine 418 retained).
Molecular consequence: synonymous variant. On other transcripts: non-coding transcript variant (1).
Genome position (GRCh38, 1-based): chr9:99,146,608, T>C. VCF-style: chr9-99146608-T-C. GRCh37 (hg19) VCF-style: chr9-101908890-T-C.
Other names: c.1047T>C, p.Gly349= (NM_001407424.1, NM_001407425.1, NM_001407426.1 and 8 more transcripts); c.1023T>C, p.Gly341= (NM_001407435.1, NM_001130916.3); c.1008T>C, p.Gly336= (NM_001407436.1); c.546T>C, p.Gly182= (NM_001407437.1); c.777T>C, p.Gly259= (NM_001407438.1); c.1266T>C, p.Gly422= (NM_001306210.2); c.1098T>C, p.Gly366= (NM_001407416.1); c.1086T>C, p.Gly362= (NM_001407417.1); and 1 more.
Identifiers: ClinVar variation 4736627 (VCV004736627.1).

ClinVar aggregate classification (germline): Uncertain significance (1 of 4 stars; one submission).

Conditions:
Familial thoracic aortic aneurysm and aortic dissection (TAAD). Also called: Thoracic aortic aneurysms and dissections. Identifiers: Orphanet 91387, MedGen C4707243, MONDO:0019625.

Submission:

Labcorp Genetics (formerly Invitae), Labcorp
Classification: Uncertain significance for Familial thoracic aortic aneurysm and aortic dissection. Last evaluated: 2026-02-04. Review status: criteria provided, single submitter. Criteria: Invitae Variant Classification Sherloc (09022015). Collection method: clinical testing. Allele origin: germline.
Comment: This sequence change affects codon 418 of the TGFBR1 mRNA. It is a 'silent' change, meaning that it does not change the encoded amino acid sequence of the TGFBR1 protein. It affects a nucleotide within the consensus splice site. This variant is not present in population databases (gnomAD no frequency). This variant has not been reported in the literature in individuals affected with TGFBR1-related conditions. Algorithms developed to predict the effect of sequence changes on RNA splicing suggest that this variant is not likely to affect RNA splicing. In summary, the available evidence is currently insufficient to determine the role of this variant in disease. Therefore, it has been classified as a Variant of Uncertain Significance.